The following is an entry in ClinVar:

ClinVar aggregate classification (germline): Uncertain significance (1 of 4 stars; one submission).

Conditions:
Congenital disorder of glycosylation, type Iaa. Also called: Congenital disorder of glycosylation, type 1aa. Identifiers: MedGen C4310727, MONDO:0014904, OMIM 617082.

Allele frequency attached by ClinVar (database versions not stated): TOPMed 0.00001; ExAC 0.00009.

Submission:

Labcorp Genetics (formerly Invitae), Labcorp
Classification: Uncertain significance for Congenital disorder of glycosylation, type Iaa. Last evaluated: 2023-10-17. Review status: criteria provided, single submitter. Criteria: Invitae Variant Classification Sherloc (09022015). Collection method: clinical testing. Allele origin: germline.
Comment: This sequence change replaces methionine, which is neutral and non-polar, with lysine, which is basic and polar, at codon 85 of the NUS1 protein (p.Met85Lys). This variant is present in population databases (rs757989392, gnomAD 0.002%). This variant has not been reported in the literature in individuals affected with NUS1-related conditions. An algorithm developed to predict the effect of missense changes on protein structure and function (PolyPhen-2) suggests that this variant is likely to be tolerated. In summary, the available evidence is currently insufficient to determine the role of this variant in disease. Therefore, it has been classified as a Variant of Uncertain Significance.

NM_138459.5(NUS1):c.254T>A (p.Met85Lys)

Gene: NUS1 (NUS1 dehydrodolichyl diphosphate synthase subunit; plus strand). Cytogenetic location: 6q22.1.
Variant type: single nucleotide variant.
Coding change: c.254T>A on transcript NM_138459.5 (MANE Select); coding-DNA position 254, T replaced by A.
Protein change: p.Met85Lys; replaces methionine 85 with lysine.
Molecular consequence: missense variant.
Genome position (GRCh38, 1-based): chr6:117,675,924, T>A. VCF-style: chr6-117675924-T-A. GRCh37 (hg19) VCF-style: chr6-117997087-T-A.
Other names: short protein forms M85K.
Identifiers: ClinVar variation 2970617 (VCV002970617.3), dbSNP rs757989392, ClinGen allele CA3977081.